The following is an entry in ClinVar:

ClinVar aggregate classification (germline): Pathogenic. Review status: criteria provided, multiple submitters, no conflicts (2 of 4 stars). 2 submissions from 2 submitters: Pathogenic (2). Last evaluated 2025-10-16.

Conditions:
Cardiovascular phenotype. Identifiers: MedGen CN230736.
Hereditary cancer-predisposing syndrome. Also called: Tumor predisposition; Neoplastic Syndromes, Hereditary; Hereditary Cancer Syndrome; Hereditary neoplastic syndrome. Identifiers: Orphanet 140162, MedGen C0027672, MeSH D009386, MONDO:0015356.

Submissions (2):

Ambry Genetics
Classification: Pathogenic for Cardiovascular phenotype; Hereditary cancer-predisposing syndrome. Last evaluated: 2025-10-16. Review status: criteria provided, single submitter. Criteria: Ambry Variant Classification Scheme 2023. Collection method: clinical testing. Allele origin: germline.
Comment: The c.723delT pathogenic mutation, located in coding exon 8 of the LZTR1 gene, results from a deletion of one nucleotide at nucleotide position 723, causing a translational frameshift with a predicted alternate stop codon (p.F241Lfs*11). This alteration is expected to result in loss of function by premature protein truncation or nonsense-mediated mRNA decay. Loss-of-function variants in LZTR1 are related to an increased risk for schwannomas and autosomal recessive Noonan syndrome; however, such associations with autosomal dominant Noonan syndrome have not been observed (Piotrowski A et al. Nat Genet. 2014 Feb;46:182-7; Yamamoto GL et al. J Med Genet. 2015 Jun;52:413-21; Johnston JJ et al. Genet Med. 2018 10;20:1175-1185). This variant is considered to be rare based on population cohorts in the Genome Aggregation Database (gnomAD). Based on the supporting evidence, this variant is pathogenic for an increased risk of LZTR1-related schwannomatosis (SWN) and would be expected to cause autosomal recessive Noonan syndrome when present along with a second pathogenic or likely pathogenic variant on the other allele; however, the association of this alteration with autosomal dominant Noonan syndrome is unlikely.

Labcorp Genetics (formerly Invitae), Labcorp
Classification: Pathogenic. Last evaluated: 2024-12-17. Review status: criteria provided, single submitter. Criteria: Invitae Variant Classification Sherloc (09022015). Collection method: clinical testing. Allele origin: germline.
Comment: This sequence change creates a premature translational stop signal (p.Phe241Leufs*11) in the LZTR1 gene. It is expected to result in an absent or disrupted protein product. Loss-of-function variants in LZTR1 are known to be pathogenic (PMID: 24362817, 25335493, 25480913, 25795793, 29469822, 30368668, 30442762, 30442766, 30481304, 30859559). This variant is not present in population databases (gnomAD no frequency). This variant has not been reported in the literature in individuals affected with LZTR1-related conditions. For these reasons, this variant has been classified as Pathogenic.

Literature cited by the submitters: PubMed 24362817 (cited by Labcorp Genetics (formerly Invitae), Labcorp); PubMed 25335493 (cited by Labcorp Genetics (formerly Invitae), Labcorp); PubMed 25480913 (cited by Labcorp Genetics (formerly Invitae), Labcorp); PubMed 25795793 (cited by Labcorp Genetics (formerly Invitae), Labcorp); PubMed 29469822 (cited by Labcorp Genetics (formerly Invitae), Labcorp); PubMed 30368668 (cited by Labcorp Genetics (formerly Invitae), Labcorp); PubMed 30442762 (cited by Labcorp Genetics (formerly Invitae), Labcorp); PubMed 30442766 (cited by Labcorp Genetics (formerly Invitae), Labcorp); PubMed 30481304 (cited by Labcorp Genetics (formerly Invitae), Labcorp); PubMed 30859559 (cited by Labcorp Genetics (formerly Invitae), Labcorp).

NM_006767.4(LZTR1):c.723del (p.Phe241fs)

Gene: LZTR1 (leucine zipper like post translational regulator 1; plus strand). Cytogenetic location: 22q11.21.
Variant type: Deletion.
Coding change: c.723del on transcript NM_006767.4 (MANE Select); coding-DNA position 723, one base deleted (T; older notation c.723delT).
Protein change: p.Phe241fs; shifts the reading frame from phenylalanine 241.
Molecular consequence: frameshift variant.
Genome position (GRCh38, 1-based): chr22:20,990,457, T deleted; the last of 3 consecutive T bases (chr22:20,990,455-20,990,457); deleting any one gives the same sequence. VCF-style (leftmost placement, unchanged base first): chr22-20990454-GT-G. GRCh37 (hg19) VCF-style: chr22-21344743-GT-G.
Other names: c.723delT (NM_006767.3); short protein forms F241fs.
Identifiers: ClinVar variation 3692192 (VCV003692192.3).